The following is an entry in ClinVar:

ClinVar aggregate classification (germline): Uncertain significance. Review status: criteria provided, multiple submitters, no conflicts (2 of 4 stars). 3 submissions from 3 submitters: Uncertain significance (2). 1 of the submissions does not count toward it. Last evaluated 2023-11-07.

Conditions:
Retinal dystrophy. Also called: Inherited retinal dystrophy. Identifiers: Orphanet 71862, MedGen C0854723, MeSH D058499, MONDO:0019118, HP:0000556.
Microcephaly and chorioretinopathy 1. Also called: Microcephaly and chorioretinopathy, autosomal recessive, 1. Identifiers: MedGen C3278481, MONDO:0009624, OMIM 251270.

Allele frequency attached by ClinVar (database versions not stated): gnomAD exomes below 0.00001; TOPMed below 0.00001; ExAC 0.00001; gnomAD 0.00001; 1000 Genomes Project 30x 0.00016; 1000 Genomes Project 0.00020.
gnomAD v4.1: 4 of 1,614,090 alleles (0.00025%); highest among the groups gnomAD compares: African/African-American, 0.0027%; no homozygotes.

Submissions (3):

Labcorp Genetics (formerly Invitae), Labcorp
Classification: Uncertain significance. Last evaluated: 2023-11-07. Review status: criteria provided, single submitter. Criteria: Invitae Variant Classification Sherloc (09022015). Collection method: clinical testing. Allele origin: germline.
Comment: This sequence change replaces glycine, which is neutral and non-polar, with aspartic acid, which is acidic and polar, at codon 1033 of the TUBGCP6 protein (p.Gly1033Asp). This variant is present in population databases (rs185642293, gnomAD 0.007%). This variant has not been reported in the literature in individuals affected with TUBGCP6-related conditions. ClinVar contains an entry for this variant (Variation ID: 943680). Algorithms developed to predict the effect of missense changes on protein structure and function output the following: SIFT: "Not Available"; PolyPhen-2: "Benign"; Align-GVGD: "Not Available". The aspartic acid amino acid residue is found in multiple mammalian species, which suggests that this missense change does not adversely affect protein function. In summary, the available evidence is currently insufficient to determine the role of this variant in disease. Therefore, it has been classified as a Variant of Uncertain Significance.

Baylor Genetics
Classification: Uncertain significance for Microcephaly and chorioretinopathy 1. Last evaluated: 2019-11-19. Review status: criteria provided, single submitter. Criteria: ACMG Guidelines, 2015. Collection method: clinical testing. Allele origin: unknown. Affected: yes.
Comment: This variant was determined to be of uncertain significance according to ACMG Guidelines, 2015 [PMID:25741868].

Institute of Human Genetics, Univ. Regensburg, Univ. Regensburg
Classification: Uncertain significance for Retinal dystrophy. Last evaluated: 2022-01-01. Review status: no assertion criteria provided. Criteria: ACMG Guidelines, 2015. Collection method: clinical testing. Allele origin: germline. Affected: yes. Not counted in ClinVar's aggregate classification.

NM_020461.4(TUBGCP6):c.3098G>A (p.Gly1033Asp)

Gene: TUBGCP6 (tubulin gamma complex component 6; minus strand). Cytogenetic location: 22q13.33.
Variant type: single nucleotide variant.
Coding change: c.3098G>A on transcript NM_020461.4 (MANE Select); coding-DNA position 3098, G replaced by A.
Protein change: p.Gly1033Asp; replaces glycine 1033 with aspartic acid.
Molecular consequence: missense variant.
Genome position (GRCh38, 1-based): chr22:50,221,261, C>T on the plus strand (G>A on the coding strand, the complement: TUBGCP6 is on the minus strand). VCF-style: chr22-50221261-C-T. GRCh37 (hg19) VCF-style: chr22-50659690-C-T.
Other names: short protein forms G1033D.
Identifiers: ClinVar variation 943680 (VCV000943680.7), dbSNP rs185642293, ClinGen allele CA10308052.